The following is an entry in ClinVar:

ClinVar aggregate classification (germline): Likely pathogenic (1 of 4 stars; one submission).

Submission:

Labcorp Genetics (formerly Invitae), Labcorp
Classification: Likely pathogenic. Last evaluated: 2021-11-10. Review status: criteria provided, single submitter. Criteria: Invitae Variant Classification Sherloc (09022015). Collection method: clinical testing. Allele origin: germline.
Comment: In summary, the currently available evidence indicates that the variant is pathogenic, but additional data are needed to prove that conclusively. Therefore, this variant has been classified as Likely Pathogenic. Algorithms developed to predict the effect of sequence changes on RNA splicing suggest that this variant may disrupt the consensus splice site. This variant has not been reported in the literature in individuals affected with DNAH9-related conditions. This variant is not present in population databases (gnomAD no frequency). This sequence change affects a donor splice site in intron 51 of the DNAH9 gene. It is expected to disrupt RNA splicing. Variants that disrupt the donor or acceptor splice site typically lead to a loss of protein function (PMID: 16199547), and loss-of-function variants in DNAH9 are known to be pathogenic (PMID: 30471718).

Literature cited by the submitters: PubMed 16199547; PubMed 30471718.

NM_001372.4(DNAH9):c.10053+1G>T

Gene: DNAH9 (dynein axonemal heavy chain 9; plus strand). Cytogenetic location: 17p12.
Variant type: single nucleotide variant.
Coding change: c.10053+1G>T on transcript NM_001372.4 (MANE Select); the canonical splice donor site of the intron after coding-DNA position 10053, G replaced by T.
Molecular consequence: splice donor variant.
Genome position (GRCh38, 1-based): chr17:11,869,254, G>T. VCF-style: chr17-11869254-G-T. GRCh37 (hg19) VCF-style: chr17-11772571-G-T.
Identifiers: ClinVar variation 1469849 (VCV001469849.6), dbSNP rs917909647, ClinGen allele CA398195218.